The following is an entry in ClinVar:

ClinVar aggregate classification (germline): Uncertain significance (1 of 4 stars; one submission).

Allele frequency attached by ClinVar (database versions not stated): TOPMed 0.00001; ExAC 0.00001.
gnomAD v4.1: 1 of 1,614,194 alleles (0.000062%); no homozygotes.

Submission:

Labcorp Genetics (formerly Invitae), Labcorp
Classification: Uncertain significance. Last evaluated: 2022-08-01. Review status: criteria provided, single submitter. Criteria: Invitae Variant Classification Sherloc (09022015). Collection method: clinical testing. Allele origin: germline.
Comment: In summary, the available evidence is currently insufficient to determine the role of this variant in disease. Therefore, it has been classified as a Variant of Uncertain Significance. Algorithms developed to predict the effect of missense changes on protein structure and function (SIFT, PolyPhen-2, Align-GVGD) all suggest that this variant is likely to be disruptive. This variant has not been reported in the literature in individuals affected with IL11RA-related conditions. This variant is present in population databases (rs751261670, gnomAD 0.003%). This sequence change replaces tryptophan, which is neutral and slightly polar, with glycine, which is neutral and non-polar, at codon 240 of the IL11RA protein (p.Trp240Gly).

NM_001142784.3(IL11RA):c.718T>G (p.Trp240Gly)

Gene: IL11RA (interleukin 11 receptor subunit alpha; plus strand). Cytogenetic location: 9p13.3.
Variant type: single nucleotide variant.
Coding change: c.718T>G on transcript NM_001142784.3 (MANE Select); coding-DNA position 718, T replaced by G.
Protein change: p.Trp240Gly; replaces tryptophan 240 with glycine.
Molecular consequence: missense variant. On other transcripts: non-coding transcript variant (1).
Genome position (GRCh38, 1-based): chr9:34,658,591, T>G. VCF-style: chr9-34658591-T-G. GRCh37 (hg19) VCF-style: chr9-34658588-T-G.
Other names: short protein forms W240G.
Identifiers: ClinVar variation 1931973 (VCV001931973.5), dbSNP rs751261670, ClinGen allele CA5036575.